The following is an entry in ClinVar:

ClinVar aggregate classification (germline): Uncertain significance (1 of 4 stars; one submission).

Submission:

Labcorp Genetics (formerly Invitae), Labcorp
Classification: Uncertain significance. Last evaluated: 2023-06-14. Review status: criteria provided, single submitter. Criteria: Invitae Variant Classification Sherloc (09022015). Collection method: clinical testing. Allele origin: germline.
Comment: This sequence change replaces methionine, which is neutral and non-polar, with isoleucine, which is neutral and non-polar, at codon 1083 of the MTOR protein (p.Met1083Ile). This variant is not present in population databases (gnomAD no frequency). This variant has not been reported in the literature in individuals affected with MTOR-related conditions. Advanced modeling of protein sequence and biophysical properties (such as structural, functional, and spatial information, amino acid conservation, physicochemical variation, residue mobility, and thermodynamic stability) performed at Invitae indicates that this missense variant is not expected to disrupt MTOR protein function. In summary, the available evidence is currently insufficient to determine the role of this variant in disease. Therefore, it has been classified as a Variant of Uncertain Significance.

NM_004958.4(MTOR):c.3249G>A (p.Met1083Ile)

Gene: MTOR (mechanistic target of rapamycin kinase; minus strand). Cytogenetic location: 1p36.22.
Variant type: single nucleotide variant.
Coding change: c.3249G>A on transcript NM_004958.4 (MANE Select); coding-DNA position 3249, G replaced by A.
Protein change: p.Met1083Ile; replaces methionine 1083 with isoleucine.
Molecular consequence: missense variant.
Genome position (GRCh38, 1-based): chr1:11,213,435, C>T on the plus strand (G>A on the coding strand, the complement: MTOR is on the minus strand). VCF-style: chr1-11213435-C-T. GRCh37 (hg19) VCF-style: chr1-11273492-C-T.
Other names: c.3249G>A, p.Met1083Ile (NM_001386500.1); c.2001G>A, p.Met667Ile (NM_001386501.1); short protein forms M667I, M1083I.
Identifiers: ClinVar variation 2714189 (VCV002714189.3), dbSNP rs2523119131, ClinGen allele CA338374682.
Genomic context (GRCh38, chr1:11,213,435, plus strand): 5'-TGGAGGATGACGTAGGCTACTCACCTTGATAGAGACAATGCGGCCTGGGCTGTTGTCATG[C>T]ATGAAGACACGCAGCATGTGTGGGATCAGCTGGGGCAGGTAGAGCTTAAATTCACCCCCA-3'
Protein context (NP_004949.1, residues 1073-1093): QLIPHMLRVF[Met1083Ile]HDNSPGRIVS